The following is an entry in ClinVar:

ClinVar aggregate classification (germline): Pathogenic. Review status: criteria provided, multiple submitters, no conflicts (2 of 4 stars). 3 submissions from 3 submitters: Pathogenic (3). Last evaluated 2025-10-29.

Conditions:
Hereditary cancer-predisposing syndrome. Also called: Tumor predisposition; Hereditary Cancer Syndrome; Hereditary neoplastic syndrome; Neoplastic Syndromes, Hereditary. Identifiers: Orphanet 140162, MedGen C0027672, MeSH D009386, MONDO:0015356.
Familial adenomatous polyposis 2. Also called: FAP type 2; MUTYH Polyposis; COLORECTAL ADENOMATOUS POLYPOSIS, AUTOSOMAL RECESSIVE; ADENOMAS, MULTIPLE COLORECTAL, AUTOSOMAL RECESSIVE; MUTYH-associated polyposis; MUTYH-related attenuated familial adenomatous polyposis. Identifiers: Orphanet 220460, Orphanet 247798, MedGen C3272841, MONDO:0012041, OMIM 608456.

Submissions (3):

Ambry Genetics
Classification: Pathogenic for Hereditary cancer-predisposing syndrome. Last evaluated: 2025-10-29. Review status: criteria provided, single submitter. Criteria: Ambry Variant Classification Scheme 2023. Collection method: clinical testing. Allele origin: germline.
Comment: The p.W174* pathogenic mutation (also known as c.522G>A), located in coding exon 7 of the MUTYH gene, results from a G to A substitution at nucleotide position 522. This changes the amino acid from a tryptophan to a stop codon within coding exon 7. This variant has been identified in the homozygous state and/or in conjunction with other MUTYH variant(s) in individual(s) who met clinical criteria for MUTYH-associated polyposis (Di Gregorio C et al. Gastroenterology, 2006 Aug;131:439-44; Cattaneo F et al. Genet. Med., 2007 Dec;9:836-41). This variant is considered to be rare based on population cohorts in the Genome Aggregation Database (gnomAD). This alteration is expected to result in loss of function by premature protein truncation or nonsense-mediated mRNA decay. As such, this alteration is interpreted as a disease-causing mutation.

GeneDx
Classification: Pathogenic. Last evaluated: 2024-02-28. Review status: criteria provided, single submitter. Criteria: GeneDx Variant Classification Process June 2021. Collection method: clinical testing. Allele origin: germline. Affected: yes.
Comment: Nonsense variant predicted to result in protein truncation or nonsense mediated decay in a gene for which loss of function is a known mechanism of disease; Not observed at significant frequency in large population cohorts (gnomAD); Also known as c.479G>A, p.Trp160X (W160X); This variant is associated with the following publications: (PMID: 16890597, 32029870, 18091433)

Baylor Genetics
Classification: Pathogenic for Familial adenomatous polyposis 2. Last evaluated: 2023-04-16. Review status: criteria provided, single submitter. Criteria: ACMG Guidelines, 2015. Collection method: clinical testing. Allele origin: unknown.

Literature cited by the submitters: PubMed 16890597 (cited by Ambry Genetics); PubMed 18091433 (cited by Ambry Genetics).

NM_001048174.2(MUTYH):c.438G>A (p.Trp146Ter)

Gene: MUTYH (mutY DNA glycosylase; minus strand). Cytogenetic location: 1p34.1.
Variant type: single nucleotide variant.
Coding change: c.438G>A on transcript NM_001048174.2 (MANE Select); coding-DNA position 438, G replaced by A.
Protein change: p.Trp146Ter; replaces tryptophan 146 with a stop codon.
Molecular consequence: nonsense. On other transcripts: non-coding transcript variant (2).
Genome position (GRCh38, 1-based): chr1:45,332,817, C>T on the plus strand (G>A on the coding strand, the complement: MUTYH is on the minus strand). VCF-style: chr1-45332817-C-T. GRCh37 (hg19) VCF-style: chr1-45798489-C-T.
Other names: c.438G>A, p.Trp146Ter (NM_001048171.2, NM_001048173.2, NM_001293195.2); c.441G>A, p.Trp147Ter (NM_001048172.2); c.522G>A, p.Trp174Ter (NM_001128425.2); c.483G>A, p.Trp161Ter (NM_001293190.2); c.471G>A, p.Trp157Ter (NM_001293191.2); c.162G>A, p.Trp54Ter (NM_001293192.2, NM_001293196.2); c.93G>A, p.Trp31Ter (NM_001350650.2, NM_001350651.2); c.513G>A, p.Trp171Ter (NM_012222.3); short protein forms W171*, W146*, W157*, W174*, W54*, W147*, W31*, W161*.
Identifiers: ClinVar variation 825571 (VCV000825571.7), dbSNP rs1570423722, ClinGen allele CA340135791.